The following is an entry in ClinVar:

ClinVar aggregate classification (germline): Uncertain significance. Review status: criteria provided, multiple submitters, no conflicts (2 of 4 stars). 4 submissions from 4 submitters: Uncertain significance (4). Last evaluated 2025-01-13.

Conditions:
Emery-Dreifuss muscular dystrophy 4, autosomal dominant (EDMD4). Also called: EMERY-DREIFUSS MUSCULAR DYSTROPHY 4 WITH VARIABLE FEATURES. Identifiers: Orphanet 261, MedGen C2751807, MONDO:0013071, OMIM 612998.
Autosomal recessive ataxia, Beauce type. Also called: Spinocerebellar ataxia, autosomal recessive 8; ATAXIA, RECESSIVE, OF BEAUCE; SYNE1-Related Autosomal Recessive Cerebellar Ataxia; SYNE1 Deficiency. Identifiers: Orphanet 88644, MedGen C1853116, MONDO:0012549, OMIM 610743.

gnomAD v4.1: 12 of 1,613,978 alleles (0.00074%); highest among the groups gnomAD compares: Non-Finnish European, 0.001%; no homozygotes.

Submissions (4):

Women's Health and Genetics/Laboratory Corporation of America, LabCorp
Classification: Uncertain significance. Last evaluated: 2025-01-13. Review status: criteria provided, single submitter. Criteria: LabCorp Variant Classification Summary - May 2015. Collection method: clinical testing. Allele origin: germline.
Comment: Variant summary: SYNE1 c.17545G>T (p.Ala5849Ser) results in a conservative amino acid change in the encoded protein sequence. Four of four in-silico tools predict a benign effect of the variant on protein function. The variant allele was found at a frequency of 4e-06 in 251432 control chromosomes. The available data on variant occurrences in the general population are insufficient to allow any conclusion about variant significance. To our knowledge, no occurrence of c.17545G>T in individuals affected with Autosomal recessive ataxia, Beauce type and no experimental evidence demonstrating its impact on protein function have been reported. ClinVar contains an entry for this variant (Variation ID: 448563). Based on the evidence outlined above, the variant was classified as uncertain significance.

Labcorp Genetics (formerly Invitae), Labcorp
Classification: Uncertain significance for Emery-Dreifuss muscular dystrophy 4, autosomal dominant; Autosomal recessive ataxia, Beauce type. Last evaluated: 2022-06-27. Review status: criteria provided, single submitter. Criteria: Invitae Variant Classification Sherloc (09022015). Collection method: clinical testing. Allele origin: germline.
Comment: In summary, the available evidence is currently insufficient to determine the role of this variant in disease. Therefore, it has been classified as a Variant of Uncertain Significance. Algorithms developed to predict the effect of missense changes on protein structure and function output the following: SIFT: "Tolerated"; PolyPhen-2: "Benign"; Align-GVGD: "Class C0". The serine amino acid residue is found in multiple mammalian species, which suggests that this missense change does not adversely affect protein function. ClinVar contains an entry for this variant (Variation ID: 448563). This variant has not been reported in the literature in individuals affected with SYNE1-related conditions. This variant is present in population databases (no rsID available, gnomAD 0.0009%). This sequence change replaces alanine, which is neutral and non-polar, with serine, which is neutral and polar, at codon 5849 of the SYNE1 protein (p.Ala5849Ser).

Eurofins Ntd Llc (ga)
Classification: Uncertain significance. Last evaluated: 2017-02-08. Review status: criteria provided, single submitter. Criteria: EGL Classification Definitions 2015. Collection method: clinical testing. Allele origin: germline. Observed: 1 variant allele, 1 heterozygote.

Athena Diagnostics
Classification: Uncertain significance. Last evaluated: 2016-10-21. Review status: criteria provided, single submitter. Criteria: Athena Diagnostics Criteria. Collection method: clinical testing. Allele origin: germline.

NM_182961.4(SYNE1):c.17758G>T (p.Ala5920Ser)

Gene: SYNE1 (spectrin repeat containing nuclear envelope protein 1; minus strand). Cytogenetic location: 6q25.2.
Variant type: single nucleotide variant.
Coding change: c.17758G>T on transcript NM_182961.4 (MANE Select); coding-DNA position 17758, G replaced by T.
Protein change: p.Ala5920Ser; replaces alanine 5920 with serine.
Molecular consequence: missense variant.
Genome position (GRCh38, 1-based): chr6:152,294,052, C>A on the plus strand (G>T on the coding strand, the complement: SYNE1 is on the minus strand). VCF-style: chr6-152294052-C-A. GRCh37 (hg19) VCF-style: chr6-152615187-C-A.
Other names: c.17545G>T, p.Ala5849Ser (NM_033071.5); short protein forms A5849S, A5920S.
Identifiers: ClinVar variation 448563 (VCV000448563.12), dbSNP rs765300968, ClinGen allele CA366100982.